The following is an entry in ClinVar:

ClinVar aggregate classification (germline): Uncertain significance (0 of 4 stars; one submission).

Allele frequency attached by ClinVar (database versions not stated): TOPMed below 0.00001; gnomAD 0.00001.

Submission:

Department of Pathology and Laboratory Medicine, Sinai Health System
Classification: Uncertain significance. Review status: no assertion criteria provided. Collection method: clinical testing. Allele origin: unknown. Affected: yes. Study: The Canadian Open Genetics Repository (COGR).
Comment: The COLGALT1 p.I346N variant was not identified in the literature nor was it identified in ClinVar. The variant was identified in dbSNP (ID: rs761321377) and in control databases in 1 of 257352 chromosomes at a frequency of 0.000003886 (Genome Aggregation Database March 6, 2019, v2.1.1). Although the p.Ile346 residue is not highly conserved in mammals, computational analyses (MUT Assesor, PolyPhen-2, SIFT, MutationTaster, Revel, FATHMM, MetaLR, DANN) suggest that the variant may impact the protein. The variant occurs outside of the splicing consensus sequence and in silico or computational prediction software programs (Splice AI exome) do not predict a difference in splicing. In summary, based on the above information the clinical significance of this variant cannot be determined with certainty at this time. This variant is classified as a variant of uncertain significance.

NM_024656.4(COLGALT1):c.1037T>A (p.Ile346Asn)

Gene: COLGALT1 (collagen beta(1-O)galactosyltransferase 1; plus strand). Cytogenetic location: 19p13.11.
Variant type: single nucleotide variant.
Coding change: c.1037T>A on transcript NM_024656.4 (MANE Select); coding-DNA position 1037, T replaced by A.
Protein change: p.Ile346Asn; replaces isoleucine 346 with asparagine.
Molecular consequence: missense variant.
Genome position (GRCh38, 1-based): chr19:17,577,371, T>A. VCF-style: chr19-17577371-T-A. GRCh37 (hg19) VCF-style: chr19-17688180-T-A.
Other names: short protein forms I346N.
Identifiers: ClinVar variation 1049031 (VCV001049031.1), dbSNP rs761321377, ClinGen allele CA9297155.
Genomic context (GRCh38, chr19:17,577,371, plus strand): 5'-GGGCCCTTGTTTGCAGGGGCTGATCTGGCTGGGGACTCTCCGGGCTGCAGGTCTTCATGA[T>A]CAACCTGAGGCGGCGGCAGGACCGGCGGGAGCGCATGCTGCGGGCGCTGCAGGCACAGGA-3'
Protein context (NP_078932.2, residues 336-356): DKMGFDEVFM[Ile346Asn]NLRRRQDRRE